The following is an entry in ClinVar:

NM_001080421.3(UNC13A):c.3100C>G (p.Leu1034Val)

Gene: UNC13A (unc-13 homolog A; minus strand). Cytogenetic location: 19p13.11.
Variant type: single nucleotide variant.
Coding change: c.3100C>G on transcript NM_001080421.3 (MANE Select); coding-DNA position 3100, C replaced by G.
Protein change: p.Leu1034Val; replaces leucine 1034 with valine.
Molecular consequence: missense variant.
Genome position (GRCh38, 1-based): chr19:17,636,139, G>C on the plus strand (C>G on the coding strand, the complement: UNC13A is on the minus strand). VCF-style: chr19-17636139-G-C. GRCh37 (hg19) VCF-style: chr19-17746948-G-C.
Other names: c.3094C>G, p.Leu1032Val (NM_001387021.1, NM_001387022.1, NM_001387023.1); short protein forms L1032V, L1034V.
Identifiers: ClinVar variation 3351352 (VCV003351352.1).

ClinVar aggregate classification (germline): Likely benign (0 of 4 stars; one submission).

Conditions:
UNC13A-related disorder. Also called: UNC13A-related condition.

gnomAD v4.1: 295 of 1,599,316 alleles (0.018%); highest among the groups gnomAD compares: East Asian, 0.59%; 1 homozygote.

Submission:

PreventionGenetics, part of Exact Sciences
Classification: Likely benign for UNC13A-related condition. Last evaluated: 2024-03-26. Review status: no assertion criteria provided. Collection method: clinical testing. Allele origin: germline.
Comment: This variant is classified as likely benign based on ACMG/AMP sequence variant interpretation guidelines (Richards et al. 2015 PMID: 25741868, with internal and published modifications).